The following is an entry in ClinVar:

ClinVar aggregate classification (germline): Uncertain significance (1 of 4 stars; one submission).

Conditions:
Genitopatellar syndrome (GTPTS). Also called: ABSENT PATELLAE, SCROTAL HYPOPLASIA, RENAL ANOMALIES, FACIAL DYSMORPHISM, AND MENTAL RETARDATION; Genitopatellar syndrome (GPS). Identifiers: Orphanet 85201, MedGen C1853566, MONDO:0011640, OMIM 606170.

Allele frequency attached by ClinVar (database versions not stated): gnomAD 0.00001; gnomAD exomes 0.00001; ExAC 0.00002.
gnomAD v4.1: 11 of 1,613,448 alleles (0.00068%); highest among the groups gnomAD compares: South Asian, 0.0044%; no homozygotes.

Submission:

Labcorp Genetics (formerly Invitae), Labcorp
Classification: Uncertain significance for Genitopatellar syndrome. Last evaluated: 2023-09-23. Review status: criteria provided, single submitter. Criteria: Invitae Variant Classification Sherloc (09022015). Collection method: clinical testing. Allele origin: germline.
Comment: This variant is present in population databases (rs746515922, gnomAD 0.007%). In summary, the available evidence is currently insufficient to determine the role of this variant in disease. Therefore, it has been classified as a Variant of Uncertain Significance. Advanced modeling of protein sequence and biophysical properties (such as structural, functional, and spatial information, amino acid conservation, physicochemical variation, residue mobility, and thermodynamic stability) performed at Invitae indicates that this missense variant is not expected to disrupt KAT6B protein function. This variant has not been reported in the literature in individuals affected with KAT6B-related conditions. This sequence change replaces proline, which is neutral and non-polar, with threonine, which is neutral and polar, at codon 1382 of the KAT6B protein (p.Pro1382Thr).

NM_012330.4(KAT6B):c.4144C>A (p.Pro1382Thr)

Gene: KAT6B (lysine acetyltransferase 6B; plus strand). Cytogenetic location: 10q22.2.
Variant type: single nucleotide variant.
Coding change: c.4144C>A on transcript NM_012330.4 (MANE Select); coding-DNA position 4144, C replaced by A.
Protein change: p.Pro1382Thr; replaces proline 1382 with threonine.
Molecular consequence: missense variant.
Genome position (GRCh38, 1-based): chr10:75,028,968, C>A. VCF-style: chr10-75028968-C-A. GRCh37 (hg19) VCF-style: chr10-76788726-C-A.
Other names: c.3595C>A, p.Pro1199Thr (NM_001256468.2, NM_001370138.1); c.3268C>A, p.Pro1090Thr (NM_001256469.2, NM_001370139.1, NM_001370140.1 and 2 more transcripts); c.3106C>A, p.Pro1036Thr (NM_001370132.1); c.2455C>A, p.Pro819Thr (NM_001370133.1); c.2059C>A, p.Pro687Thr (NM_001370134.1); c.1801C>A, p.Pro601Thr (NM_001370135.1); c.4144C>A, p.Pro1382Thr (NM_001370136.1, NM_001370137.1); c.3079C>A, p.Pro1027Thr (NM_001370143.1, NM_001370144.1); short protein forms P1199T, P687T, P1382T, P819T, P1036T, P1090T, P601T, P1027T.
Identifiers: ClinVar variation 3015723 (VCV003015723.3), dbSNP rs746515922, ClinGen allele CA5564977.